The following is an entry in ClinVar:

ClinVar aggregate classification (germline): Uncertain significance. Review status: criteria provided, multiple submitters, no conflicts (2 of 4 stars). 3 submissions from 3 submitters: Uncertain significance (2). 1 of the submissions does not count toward it. Last evaluated 2025-09-30.

Conditions:
Neuronal ceroid lipofuscinosis 2. Also called: JANSKY-BIELSCHOWSKY DISEASE NEURONAL CEROID LIPOFUSCINOSIS, LATE INFANTILE; TPP1-Related Neuronal Ceroid-Lipofuscinosis. Identifiers: Orphanet 168491, Orphanet 228349, Orphanet 79264, MedGen C1876161, MONDO:0008769, OMIM 204500.

Allele frequency attached by ClinVar (database versions not stated): ExAC 0.00001; TOPMed 0.00002; gnomAD exomes 0.00004; 1000 Genomes Project 0.00020; 1000 Genomes Project 30x 0.00031.
gnomAD v4.1: 46 of 1,614,134 alleles (0.0028%); highest among the groups gnomAD compares: Middle Eastern, 0.016%; no homozygotes.

Submissions (3):

Labcorp Genetics (formerly Invitae), Labcorp
Classification: Uncertain significance. Last evaluated: 2025-09-30. Review status: criteria provided, single submitter. Criteria: Invitae Variant Classification Sherloc (09022015). Collection method: clinical testing. Allele origin: germline.
Comment: This sequence change replaces proline, which is neutral and non-polar, with leucine, which is neutral and non-polar, at codon 188 of the TPP1 protein (p.Pro188Leu). This variant is present in population databases (rs550590502, gnomAD 0.03%). This missense change has been observed in individual(s) with clinical features of neuronal ceroid lipofuscinosis (PMID: 30831263). ClinVar contains an entry for this variant (Variation ID: 842671). Invitae Evidence Modeling of protein sequence and biophysical properties (such as structural, functional, and spatial information, amino acid conservation, physicochemical variation, residue mobility, and thermodynamic stability) indicates that this missense variant is not expected to disrupt TPP1 protein function with a negative predictive value of 95%. In summary, the available evidence is currently insufficient to determine the role of this variant in disease. Therefore, it has been classified as a Variant of Uncertain Significance.

Blueprint Genetics
Classification: Uncertain significance. Last evaluated: 2023-05-04. Review status: criteria provided, single submitter. Criteria: ACMG Guidelines, 2015. Collection method: clinical testing. Allele origin: germline.

Natera, Inc.
Classification: Uncertain significance for Neuronal ceroid lipofuscinosis 2. Last evaluated: 2020-01-10. Review status: no assertion criteria provided. Collection method: clinical testing. Allele origin: germline. Not counted in ClinVar's aggregate classification.

Literature cited by the submitters: PubMed 30831263 (cited by Labcorp Genetics (formerly Invitae), Labcorp).

NM_000391.4(TPP1):c.563C>T (p.Pro188Leu)

Gene: TPP1 (tripeptidyl peptidase 1; minus strand). Cytogenetic location: 11p15.4.
Variant type: single nucleotide variant.
Coding change: c.563C>T on transcript NM_000391.4 (MANE Select); coding-DNA position 563, C replaced by T.
Protein change: p.Pro188Leu; replaces proline 188 with leucine.
Molecular consequence: missense variant.
Genome position (GRCh38, 1-based): chr11:6,617,099, G>A on the plus strand (C>T on the coding strand, the complement: TPP1 is on the minus strand). VCF-style: chr11-6617099-G-A. GRCh37 (hg19) VCF-style: chr11-6638330-G-A.
Other names: short protein forms P188L.
Identifiers: ClinVar variation 842671 (VCV000842671.6), dbSNP rs550590502, ClinGen allele CA5858898.
Genomic context (GRCh38, chr11:6,617,099, plus strand): 5'-CGCTTACGGATCACAGAGGGGGTTACCCCCAGATGCAGGCCTACAGTCCCTGTCACCTGC[G>A]GCTCAGGACGTTGCCTCAGGGATGATGTTGGGGGAAAACGGTGCAGTCCCCCCACTGTAG-3'
Protein context (NP_000382.3, residues 178-198): PTSSLRQRPE[Pro188Leu]QVTGTVGLHL